The following is an entry in ClinVar:

NC_000006.12:g.99593065G>A

Genes: PRDM13 (PR/SET domain 13; plus strand), LOC111365204 (CCNC and PRDM13 intergenic region DNase I hypersensitve site DHS6S1; plus strand). Cytogenetic location: 6q16.2.
Variant type: single nucleotide variant.
Genome position: GRCh38 VCF-style: chr6-99593065-G-A. GRCh37 (hg19) VCF-style: chr6-100040941-G-A.
Identifiers: ClinVar variation 4982123 (VCV004982123.1).
Genomic context (GRCh38, chr6:99,593,065, plus strand): 5'-AACTTCTGCTTGTGTCACATTTACTGATGTCCCACTGACCAGAGCAAGTCATATGGCAAA[G>A]CTTAAGATCATTATGAAAGGAGATTATGCAAGAGCATGAATACCAGGAGGTTCAATTCAC-3'

ClinVar aggregate classification (germline): Likely benign (1 of 4 stars; one submission).

Conditions:
PRDM13-related disorder. Also called: PRDM13-related condition.

Submission:

PreventionGenetics, part of Exact Sciences
Classification: Likely benign for PRDM13-related condition. Last evaluated: 2026-05-22. Review status: criteria provided, single submitter. Criteria: ACMG Guidelines, 2015. Collection method: clinical testing. Allele origin: germline.
Comment: This variant is classified as likely benign based on ACMG/AMP sequence variant interpretation guidelines (Richards et al. 2015 PMID: 25741868, with internal and published modifications).